The following is an entry in ClinVar:

NM_001282531.3(ADNP):c.2330A>G (p.Lys777Arg)

Gene: ADNP (activity dependent neuroprotector homeobox; minus strand). Cytogenetic location: 20q13.13.
Variant type: single nucleotide variant.
Coding change: c.2330A>G on transcript NM_001282531.3 (MANE Select); coding-DNA position 2330, A replaced by G.
Protein change: p.Lys777Arg; replaces lysine 777 with arginine.
Molecular consequence: missense variant.
Genome position (GRCh38, 1-based): chr20:50,892,384, T>C on the plus strand (A>G on the coding strand, the complement: ADNP is on the minus strand). VCF-style: chr20-50892384-T-C. GRCh37 (hg19) VCF-style: chr20-49508921-T-C.
Other names: c.2330A>G, p.Lys777Arg (NM_001282532.2, NM_001347511.2, NM_015339.5 and 1 more transcripts); short protein forms K777R.
Identifiers: ClinVar variation 3730117 (VCV003730117.2).

ClinVar aggregate classification (germline): Uncertain significance (1 of 4 stars; one submission).

gnomAD v4.1: 14 of 1,614,084 alleles (0.00087%); highest among the groups gnomAD compares: East Asian, 0.029%; no homozygotes.

Submission:

Labcorp Genetics (formerly Invitae), Labcorp
Classification: Uncertain significance. Last evaluated: 2024-02-12. Review status: criteria provided, single submitter. Criteria: Invitae Variant Classification Sherloc (09022015). Collection method: clinical testing. Allele origin: germline.
Comment: This sequence change replaces lysine, which is basic and polar, with arginine, which is basic and polar, at codon 777 of the ADNP protein (p.Lys777Arg). This variant is present in population databases (rs766686092, gnomAD 0.05%). This variant has not been reported in the literature in individuals affected with ADNP-related conditions. An algorithm developed to predict the effect of missense changes on protein structure and function (PolyPhen-2) suggests that this variant is likely to be tolerated. In summary, the available evidence is currently insufficient to determine the role of this variant in disease. Therefore, it has been classified as a Variant of Uncertain Significance.